The following is an entry in ClinVar:

NM_004991.4(MECOM):c.1348G>A (p.Ala450Thr)

Gene: MECOM (MDS1 and EVI1 complex locus; minus strand). Cytogenetic location: 3q26.2.
Variant type: single nucleotide variant.
Coding change: c.1348G>A on transcript NM_004991.4 (MANE Select); coding-DNA position 1348, G replaced by A.
Protein change: p.Ala450Thr; replaces alanine 450 with threonine.
Molecular consequence: missense variant. On other transcripts: intron variant (2).
Genome position (GRCh38, 1-based): chr3:169,116,524, C>T on the plus strand (G>A on the coding strand, the complement: MECOM is on the minus strand). VCF-style: chr3-169116524-C-T. GRCh37 (hg19) VCF-style: chr3-168834312-C-T.
Other names: c.979G>A, p.Ala327Thr (NM_001105077.4); c.784G>A, p.Ala262Thr (NM_001105078.4, NM_001164000.2, NM_001205194.2 and 4 more transcripts); c.787G>A, p.Ala263Thr (NM_001163999.2, NM_001366467.2, NM_001366468.2 and 1 more transcripts); c.1348G>A, p.Ala450Thr (NM_001366466.2); c.1133-757G>A (NM_001366473.2); c.569-757G>A (NM_001366474.2); short protein forms A263T, A262T, A327T, A450T.
Identifiers: ClinVar variation 4842751 (VCV004842751.1).

ClinVar aggregate classification (germline): Uncertain significance (1 of 4 stars; one submission).

Conditions:
Inborn genetic diseases. Identifiers: MedGen C0950123, MeSH D030342.

Submission:

Ambry Genetics
Classification: Uncertain significance for Inborn genetic diseases. Last evaluated: 2025-12-21. Review status: criteria provided, single submitter. Criteria: Ambry Variant Classification Scheme 2023. Collection method: clinical testing. Allele origin: germline.
Comment: The p.A450T variant (also known as c.1348G>A), located in coding exon 8 of the MECOM gene, results from a G to A substitution at nucleotide position 1348. The alanine at codon 450 is replaced by threonine, an amino acid with similar properties. This amino acid position is conserved. In addition, this alteration is predicted to be tolerated by in silico analysis. Based on the available evidence, the clinical significance of this variant remains unclear.